The following is an entry in ClinVar:

NM_006270.5(RRAS):c.43C>A (p.Arg15=)

Gene: RRAS (RAS related; minus strand). Cytogenetic location: 19q13.33.
Variant type: single nucleotide variant.
Coding change: c.43C>A on transcript NM_006270.5 (MANE Select); coding-DNA position 43, C replaced by A.
Protein change: p.Arg15=; no amino-acid change (arginine 15 retained).
Molecular consequence: synonymous variant.
Genome position (GRCh38, 1-based): chr19:49,640,056, G>T on the plus strand (C>A on the coding strand, the complement: RRAS is on the minus strand). VCF-style: chr19-49640056-G-T. GRCh37 (hg19) VCF-style: chr19-50143313-G-T.
Other names: c.43C>A (NM_006270.4).
Identifiers: ClinVar variation 1646121 (VCV001646121.13), dbSNP rs544651800, ClinGen allele CA9579174.

ClinVar aggregate classification (germline): Likely benign. Review status: criteria provided, multiple submitters, no conflicts (2 of 4 stars). 4 submissions from 4 submitters: Likely benign (3). 1 of the submissions does not count toward it. Last evaluated 2025-03-03.

Conditions:
RRAS-related disorder. Also called: RRAS-related condition.
Noonan syndrome (NS). Also called: Noonan's syndrome. Identifiers: Orphanet 648, MedGen C0028326, MeSH D009634, MONDO:0018997. Disease mechanism: gain of function.

Allele frequency attached by ClinVar (database versions not stated): TOPMed below 0.00001; 1000 Genomes Project 30x 0.00047; 1000 Genomes Project 0.00060.

Submissions (4):

Labcorp Genetics (formerly Invitae), Labcorp
Classification: Likely benign for Noonan syndrome. Last evaluated: 2025-03-03. Review status: criteria provided, single submitter. Criteria: Invitae Variant Classification Sherloc (09022015). Collection method: clinical testing. Allele origin: germline.

Blueprint Genetics
Classification: Likely benign. Last evaluated: 2024-07-09. Review status: criteria provided, single submitter. Criteria: ACMG Guidelines, 2015. Collection method: clinical testing. Allele origin: germline.

Ambry Genetics
Classification: Likely benign. Last evaluated: 2021-02-18. Review status: criteria provided, single submitter. Criteria: Ambry Variant Classification Scheme 2023. Collection method: clinical testing. Allele origin: germline.

PreventionGenetics, part of Exact Sciences
Classification: Likely benign for RRAS-related condition. Last evaluated: 2023-03-20. Review status: no assertion criteria provided. Collection method: clinical testing. Allele origin: germline. Not counted in ClinVar's aggregate classification.
Comment: This variant is classified as likely benign based on ACMG/AMP sequence variant interpretation guidelines (Richards et al. 2015 PMID: 25741868, with internal and published modifications).